The following is an entry in ClinVar:

NM_002585.4(PBX1):c.849G>A (p.Trp283Ter)

Gene: PBX1 (PBX homeobox 1; plus strand). Cytogenetic location: 1q23.3.
Variant type: single nucleotide variant.
Coding change: c.849G>A on transcript NM_002585.4 (MANE Select); coding-DNA position 849, G replaced by A.
Protein change: p.Trp283Ter; replaces tryptophan 283 with a stop codon.
Molecular consequence: nonsense.
Genome position (GRCh38, 1-based): chr1:164,812,001, G>A. VCF-style: chr1-164812001-G-A. GRCh37 (hg19) VCF-style: chr1-164781238-G-A.
Other names: c.849G>A, p.Trp283Ter (NM_001204961.2, NM_001204963.2, NM_001353131.2); c.600G>A, p.Trp200Ter (NM_001353130.1); short protein forms W200*, W283*.
Identifiers: ClinVar variation 4881925 (VCV004881925.2).

ClinVar aggregate classification (germline): Likely pathogenic (1 of 4 stars; one submission).

Conditions:
Congenital anomalies of kidney and urinary tract syndrome with or without hearing loss, abnormal ears, or developmental delay. Also called: Congenital Anomalies of the Kidney and Urinary Tract syndrome with or without Hearing Loss, Abnormal Ears, or Developmental Delay. Identifiers: Orphanet 656130, MedGen C4539968, MONDO:0060549, OMIM 617641.

Submission:

Dasa
Classification: Likely pathogenic for congenital anomalies of kidney and urinary tract syndrome with or without hearing loss, abnormal ears, or developmental delay. Last evaluated: 2025-09-11. Review status: criteria provided, single submitter. Criteria: DASA Assertion Criteria. Collection method: clinical testing. Allele origin: germline.
Comment: NM_002585.4(PBX1):c.849G>A (p.Trp283*) is a nonsense variant in PBX1 predicted to introduce a premature termination codon and is predicted to result in an absent or altered protein product. Loss of function is an established disease mechanism for PBX1 (PMID: 29036646; PMID: 28566479; PMID: 28270404). Also, this variant is absent from population databases. Based on the currently available evidence, this variant is classified as likely pathogenic.

Literature cited by the submitters: PubMed 29036646; PubMed 28566479; PubMed 28270404.